The following is an entry in ClinVar:

ClinVar aggregate classification (germline): Uncertain significance (1 of 4 stars; one submission).

Conditions:
MHC class I deficiency. Identifiers: Orphanet 34592, MedGen C6024714, MONDO:0011476.

Allele frequency attached by ClinVar (database versions not stated): gnomAD exomes 0.00005 and 0.00011; ExAC 0.00036; TOPMed below 0.00001.

Submission:

Labcorp Genetics (formerly Invitae), Labcorp
Classification: Uncertain significance for MHC class I deficiency 1. Last evaluated: 2025-01-27. Review status: criteria provided, single submitter. Criteria: Invitae Variant Classification Sherloc (09022015). Collection method: clinical testing. Allele origin: germline.
Comment: This sequence change replaces leucine, which is neutral and non-polar, with valine, which is neutral and non-polar, at codon 33 of the TAP1 protein (p.Leu33Val). This variant is present in population databases (rs770558961, gnomAD 0.07%). This variant has not been reported in the literature in individuals affected with TAP1-related conditions. ClinVar contains an entry for this variant (Variation ID: 1523493). An algorithm developed to predict the effect of missense changes on protein structure and function (PolyPhen-2) suggests that this variant is likely to be tolerated. In summary, the available evidence is currently insufficient to determine the role of this variant in disease. Therefore, it has been classified as a Variant of Uncertain Significance.

NC_000006.12:g.32853720G>C

Gene: TAP1 (transporter 1, ATP binding cassette subfamily B member; minus strand). Cytogenetic location: 6p21.32.
Variant type: single nucleotide variant.
Genome position: GRCh38 VCF-style: chr6-32853720-G-C. GRCh37 (hg19) VCF-style: chr6-32821497-G-C.
Identifiers: ClinVar variation 1523493 (VCV001523493.8), dbSNP rs770558961, ClinGen allele CA3747108.
Genomic context (GRCh38, chr6:32,853,720, plus strand): 5'-CCCGGCCGGGCCTGGGACTCTCCGCGCCCCGGTGGGGCCTGAAGCTCCGGGTACCGCCGA[G>C]TCCTCCCCTACTGGCGGCTGGGGGAGGGAACGAGGGCGGGGCTCTCGGAAAGTCCCAGGA-3'